The following is an entry in ClinVar:

NM_001040142.2(SCN2A):c.4777G>C (p.Gly1593Arg)

Gene: SCN2A (sodium voltage-gated channel alpha subunit 2; plus strand). Cytogenetic location: 2q24.3.
Variant type: single nucleotide variant.
Coding change: c.4777G>C on transcript NM_001040142.2 (MANE Select); coding-DNA position 4777, G replaced by C.
Protein change: p.Gly1593Arg; replaces glycine 1593 with arginine.
Molecular consequence: missense variant.
Genome position (GRCh38, 1-based): chr2:165,386,971, G>C. VCF-style: chr2-165386971-G-C. GRCh37 (hg19) VCF-style: chr2-166243481-G-C.
Other names: c.4777G>C, p.Gly1593Arg (NM_001040143.2, NM_001371246.1, NM_001371247.1 and 1 more transcripts); short protein forms G1593R.
Identifiers: ClinVar variation 4783612 (VCV004783612.1).

ClinVar aggregate classification (germline): Pathogenic (1 of 4 stars; one submission).

Conditions:
Developmental and epileptic encephalopathy, 11 (DEE11). Also called: Early infantile epileptic encephalopathy 11. Identifiers: Orphanet 1934, MedGen C3150987, MONDO:0013388, OMIM 613721.
Seizures, benign familial infantile, 3 (BFIS3). Also called: CONVULSIONS, BENIGN FAMILIAL INFANTILE, 3; Familial neonatal seizures. Identifiers: Orphanet 140927, Orphanet 306, MedGen C1843140, MONDO:0011904, OMIM 607745.

Submission:

Labcorp Genetics (formerly Invitae), Labcorp
Classification: Pathogenic for Seizures, benign familial infantile, 3; Developmental and epileptic encephalopathy, 11. Last evaluated: 2026-02-01. Review status: criteria provided, single submitter. Criteria: Invitae Variant Classification Sherloc (09022015). Collection method: clinical testing. Allele origin: germline.
Comment: This sequence change replaces glycine, which is neutral and non-polar, with arginine, which is basic and polar, at codon 1593 of the SCN2A protein (p.Gly1593Arg). This variant is not present in population databases (gnomAD no frequency). This missense change has been observed in individual(s) with epileptic encephalopathy (PMID: 26291284). In at least one individual the variant was observed to be de novo. Invitae Evidence Modeling of protein sequence and biophysical properties (such as structural, functional, and spatial information, amino acid conservation, physicochemical variation, residue mobility, and thermodynamic stability) indicates that this missense variant is expected to disrupt SCN2A protein function with a positive predictive value of 95%. For these reasons, this variant has been classified as Pathogenic.

Literature cited by the submitters: PubMed 26291284.